The following is an entry in ClinVar:

ClinVar aggregate classification (germline): Uncertain significance (1 of 4 stars; one submission).

Conditions:
Nemaline myopathy 7 (NEM7). Also called: Nemaline myopathy 7, autosomal recessive. Identifiers: Orphanet 171436, MedGen C1853154, MONDO:0012538, OMIM 610687.

Submission:

Labcorp Genetics (formerly Invitae), Labcorp
Classification: Uncertain significance for Nemaline myopathy 7. Last evaluated: 2023-10-20. Review status: criteria provided, single submitter. Criteria: Invitae Variant Classification Sherloc (09022015). Collection method: clinical testing. Allele origin: germline.
Comment: This sequence change replaces aspartic acid, which is acidic and polar, with glutamic acid, which is acidic and polar, at codon 17 of the CFL2 protein (p.Asp17Glu). This variant is not present in population databases (gnomAD no frequency). This variant has not been reported in the literature in individuals affected with CFL2-related conditions. An algorithm developed to predict the effect of missense changes on protein structure and function (PolyPhen-2) suggests that this variant is likely to be tolerated. In summary, the available evidence is currently insufficient to determine the role of this variant in disease. Therefore, it has been classified as a Variant of Uncertain Significance.

NM_138638.5(CFL2):c.51T>A (p.Asp17Glu)

Gene: CFL2 (cofilin 2; minus strand). Cytogenetic location: 14q13.1.
Variant type: single nucleotide variant.
Coding change: c.51T>A on transcript NM_138638.5 (MANE Select); coding-DNA position 51, T replaced by A.
Protein change: p.Asp17Glu; replaces aspartic acid 17 with glutamic acid.
Molecular consequence: missense variant. On other transcripts: non-coding transcript variant (2), 5 prime UTR variant (1).
Genome position (GRCh38, 1-based): chr14:34,713,514, A>T on the plus strand (T>A on the coding strand, the complement: CFL2 is on the minus strand). VCF-style: chr14-34713514-A-T. GRCh37 (hg19) VCF-style: chr14-35182720-A-T.
Other names: c.-1T>A (NM_001243645.2); c.51T>A, p.Asp17Glu (NM_021914.8); short protein forms D17E.
Identifiers: ClinVar variation 2831681 (VCV002831681.3), dbSNP rs753321299, ClinGen allele CA389422090.